The following is an entry in ClinVar:

ClinVar aggregate classification (germline): Likely benign. Review status: criteria provided, multiple submitters, no conflicts (2 of 4 stars). 3 submissions from 3 submitters: Likely benign (3). Last evaluated 2025-01-14.

Conditions:
Familial cancer of breast. Also called: Hereditary breast cancer; hereditary breast carcinoma; BREAST CANCER, FAMILIAL. Identifiers: Orphanet 227535, MedGen C0346153, MONDO:0016419, OMIM 114480. Disease mechanism: loss of function.
Hereditary cancer-predisposing syndrome. Also called: Hereditary neoplastic syndrome; Tumor predisposition; Hereditary Cancer Syndrome; Neoplastic Syndromes, Hereditary. Identifiers: Orphanet 140162, MedGen C0027672, MeSH D009386, MONDO:0015356.

Allele frequency attached by ClinVar (database versions not stated): gnomAD exomes below 0.00001.
gnomAD v4.1: 1 of 1,565,546 alleles (0.000064%); highest among the groups gnomAD compares: Non-Finnish European, 0.000087%; no homozygotes.

Submissions (3):

Myriad Genetics, Inc.
Classification: Likely benign for Familial cancer of breast. Last evaluated: 2025-01-14. Review status: criteria provided, single submitter. Criteria: Myriad Autosomal Dominant, Autosomal Recessive and X-Linked Classification Criteria (2023). Collection method: clinical testing. Allele origin: unknown.
Comment: This variant is considered likely benign. This variant is intronic and is not expected to impact mRNA splicing.

Labcorp Genetics (formerly Invitae), Labcorp
Classification: Likely benign for Familial cancer of breast. Last evaluated: 2024-10-04. Review status: criteria provided, single submitter. Criteria: Invitae Variant Classification Sherloc (09022015). Collection method: clinical testing. Allele origin: germline.

Color Diagnostics, LLC DBA Color Health
Classification: Likely benign for Hereditary cancer-predisposing syndrome. Last evaluated: 2017-09-26. Review status: criteria provided, single submitter. Criteria: ACMG Guidelines, 2015. Collection method: clinical testing. Allele origin: germline.

NM_024675.4(PALB2):c.1685-20G>A

Gene: PALB2 (partner and localizer of BRCA2; minus strand). Cytogenetic location: 16p12.2.
Variant type: single nucleotide variant.
Coding change: c.1685-20G>A on transcript NM_024675.4 (MANE Select); 20 bases into the intron before coding-DNA position 1685, G replaced by A.
Molecular consequence: intron variant.
Genome position (GRCh38, 1-based): chr16:23,630,489, C>T on the plus strand (G>A on the coding strand, the complement: PALB2 is on the minus strand). VCF-style: chr16-23630489-C-T. GRCh37 (hg19) VCF-style: chr16-23641810-C-T.
Identifiers: ClinVar variation 492167 (VCV000492167.13), dbSNP rs1555460707, ClinGen allele CA658683934.